The following is an entry in ClinVar:

NM_019066.5(MAGEL2):c.653C>G (p.Pro218Arg)

Gene: MAGEL2 (MAGE family member L2; minus strand). Cytogenetic location: 15q11.2.
Variant type: single nucleotide variant.
Coding change: c.653C>G on transcript NM_019066.5 (MANE Select); coding-DNA position 653, C replaced by G.
Protein change: p.Pro218Arg; replaces proline 218 with arginine.
Molecular consequence: missense variant.
Genome position (GRCh38, 1-based): chr15:23,647,090, G>C on the plus strand (C>G on the coding strand, the complement: MAGEL2 is on the minus strand). VCF-style: chr15-23647090-G-C. GRCh37 (hg19) VCF-style: chr15-23892237-G-C.
Other names: short protein forms P218R.
Identifiers: ClinVar variation 1966273 (VCV001966273.7), dbSNP rs780666545, ClinGen allele CA7430093.

ClinVar aggregate classification (germline): Uncertain significance. Review status: criteria provided, multiple submitters, no conflicts (2 of 4 stars). 3 submissions from 3 submitters: Uncertain significance (2). 1 of the submissions does not count toward it. Last evaluated 2022-08-10.

Conditions:
MAGEL2-related disorder. Also called: MAGEL2-related condition.
Inborn genetic diseases. Identifiers: MedGen C0950123, MeSH D030342.

Allele frequency attached by ClinVar (database versions not stated): ExAC 0.00008.
gnomAD v4.1: 6 of 1,533,194 alleles (0.00039%); highest among the groups gnomAD compares: African/African-American, 0.0069%; no homozygotes.

Submissions (3):

Labcorp Genetics (formerly Invitae), Labcorp
Classification: Uncertain significance. Last evaluated: 2022-08-10. Review status: criteria provided, single submitter. Criteria: Invitae Variant Classification Sherloc (09022015). Collection method: clinical testing. Allele origin: germline.
Comment: In summary, the available evidence is currently insufficient to determine the role of this variant in disease. Therefore, it has been classified as a Variant of Uncertain Significance. Experimental studies and prediction algorithms are not available or were not evaluated, and the functional significance of this variant is currently unknown. This variant has not been reported in the literature in individuals affected with MAGEL2-related conditions. This variant is present in population databases (rs780666545, gnomAD 0.01%). This sequence change replaces proline, which is neutral and non-polar, with arginine, which is basic and polar, at codon 218 of the MAGEL2 protein (p.Pro218Arg).

Ambry Genetics
Classification: Uncertain significance for Inborn genetic diseases. Last evaluated: 2021-02-24. Review status: criteria provided, single submitter. Criteria: Ambry Variant Classification Scheme 2023. Collection method: clinical testing. Allele origin: germline.

PreventionGenetics, part of Exact Sciences
Classification: Uncertain significance for MAGEL2-related condition. Last evaluated: 2024-03-21. Review status: no assertion criteria provided. Collection method: clinical testing. Allele origin: germline. Not counted in ClinVar's aggregate classification.
Comment: The MAGEL2 c.653C>G variant is predicted to result in the amino acid substitution p.Pro218Arg. To our knowledge, this variant has not been reported in the literature. This variant is reported in 0.0094% of alleles in individuals of East Asian descent in gnomAD. At this time, the clinical significance of this variant is uncertain due to the absence of conclusive functional and genetic evidence.